The following is an entry in ClinVar:

NM_001128425.2(MUTYH):c.188G>T (p.Gly63Val)

Gene: MUTYH (mutY DNA glycosylase; minus strand). Cytogenetic location: 1p34.1.
Variant type: single nucleotide variant.
Coding change: c.188G>T on transcript NM_001128425.2 (MANE Plus Clinical); coding-DNA position 188, G replaced by T.
Protein change: p.Gly63Val; replaces glycine 63 with valine.
Molecular consequence: missense variant. On other transcripts: intron variant (10).
Genome position (GRCh38, 1-based): chr1:45,333,573, C>A on the plus strand (G>T on the coding strand, the complement: MUTYH is on the minus strand). VCF-style: chr1-45333573-C-A. GRCh37 (hg19) VCF-style: chr1-45799245-C-A.
Other names: c.137G>T, p.Gly46Val (NM_001293191.2); c.179G>T, p.Gly60Val (NM_012222.3); c.-92-76G>T (NM_001350651.2); c.-97-76G>T (NM_001293192.2, NM_001293196.2); c.-156-12G>T (NM_001350650.2); c.116-12G>T (NM_001048171.2, NM_001048173.2, NM_001048174.2 and 1 more transcripts); c.158-9G>T (NM_001293190.2); c.116-9G>T (NM_001048172.2); short protein forms G63V, G46V, G60V.
Identifiers: ClinVar variation 628980 (VCV000628980.11), dbSNP rs763693540, ClinGen allele CA055762.

ClinVar aggregate classification (germline): Uncertain significance. Review status: criteria provided, multiple submitters, no conflicts (2 of 4 stars). 2 submissions from 2 submitters: Uncertain significance (2). Last evaluated 2022-02-20.

Conditions:
Familial adenomatous polyposis 2. Also called: COLORECTAL ADENOMATOUS POLYPOSIS, AUTOSOMAL RECESSIVE; ADENOMAS, MULTIPLE COLORECTAL, AUTOSOMAL RECESSIVE; MUTYH-associated polyposis; MUTYH-related attenuated familial adenomatous polyposis; MUTYH Polyposis; Adenomas, multiple colorectal. Identifiers: Orphanet 220460, Orphanet 247798, MedGen C3272841, MONDO:0012041, OMIM 608456.
Hereditary cancer-predisposing syndrome. Also called: Neoplastic Syndromes, Hereditary; Hereditary Cancer Syndrome; Tumor predisposition; Hereditary neoplastic syndrome. Identifiers: Orphanet 140162, MedGen C0027672, MeSH D009386, MONDO:0015356.

Allele frequency attached by ClinVar (database versions not stated): ExAC 0.00001.
gnomAD v4.1: 1 of 1,612,798 alleles (0.000062%); no homozygotes.

Submissions (2):

Labcorp Genetics (formerly Invitae), Labcorp
Classification: Uncertain significance for Familial adenomatous polyposis 2. Last evaluated: 2022-02-20. Review status: criteria provided, single submitter. Criteria: Invitae Variant Classification Sherloc (09022015). Collection method: clinical testing. Allele origin: germline.
Comment: In summary, the available evidence is currently insufficient to determine the role of this variant in disease. Therefore, it has been classified as a Variant of Uncertain Significance. Algorithms developed to predict the effect of sequence changes on RNA splicing suggest that this variant may create or strengthen a splice site. Algorithms developed to predict the effect of missense changes on protein structure and function output the following: SIFT: "Tolerated"; PolyPhen-2: "Benign"; Align-GVGD: "Class C0". The valine amino acid residue is found in multiple mammalian species, which suggests that this missense change does not adversely affect protein function. ClinVar contains an entry for this variant (Variation ID: 628980). This variant has not been reported in the literature in individuals affected with MUTYH-related conditions. The frequency data for this variant in the population databases is considered unreliable, as metrics indicate poor data quality at this position in the gnomAD database. This sequence change replaces glycine, which is neutral and non-polar, with valine, which is neutral and non-polar, at codon 63 of the MUTYH protein (p.Gly63Val).

Color Diagnostics, LLC DBA Color Health
Classification: Uncertain significance for Hereditary cancer-predisposing syndrome. Last evaluated: 2019-06-29. Review status: criteria provided, single submitter. Criteria: ACMG Guidelines, 2015. Collection method: clinical testing. Allele origin: germline.